The following is an entry in ClinVar:

NM_001098816.3(TENM4):c.6598G>A (p.Gly2200Ser)

Gene: TENM4 (teneurin transmembrane protein 4; minus strand). Cytogenetic location: 11q14.1.
Variant type: single nucleotide variant.
Coding change: c.6598G>A on transcript NM_001098816.3 (MANE Select); coding-DNA position 6598, G replaced by A.
Protein change: p.Gly2200Ser; replaces glycine 2200 with serine.
Molecular consequence: missense variant.
Genome position (GRCh38, 1-based): chr11:78,669,747, C>T on the plus strand (G>A on the coding strand, the complement: TENM4 is on the minus strand). VCF-style: chr11-78669747-C-T. GRCh37 (hg19) VCF-style: chr11-78380792-C-T.
Other names: p.Gly2200Ser; short protein forms G2200S.
Identifiers: ClinVar variation 4541654 (VCV004541654.1).

ClinVar aggregate classification (germline): Uncertain significance (1 of 4 stars; one submission).

gnomAD v4.1: 31 of 1,613,828 alleles (0.0019%); highest among the groups gnomAD compares: South Asian, 0.0055%; no homozygotes.

Submission:

Mayo Clinic Laboratories, Mayo Clinic
Classification: Uncertain significance. Last evaluated: 2025-11-14. Review status: criteria provided, single submitter. Criteria: ACMG Guidelines, 2015. Collection method: clinical testing. Allele origin: germline. Observed: 1 variant allele.
Comment: PP3